The following is an entry in ClinVar:

ClinVar aggregate classification (germline): Conflicting classifications of pathogenicity. Review status: criteria provided, conflicting classifications (1 of 4 stars). 5 submissions from 5 submitters: Pathogenic (1); Likely pathogenic (1); Uncertain significance (3). Last evaluated 2025-12-22.

Conditions:
Hereditary cancer-predisposing syndrome. Also called: Tumor predisposition; Neoplastic Syndromes, Hereditary; Hereditary Cancer Syndrome; Hereditary neoplastic syndrome. Identifiers: Orphanet 140162, MedGen C0027672, MeSH D009386, MONDO:0015356.
Familial cancer of breast. Also called: BREAST CANCER, FAMILIAL; Hereditary breast cancer; hereditary breast carcinoma. Identifiers: Orphanet 227535, MedGen C0346153, MONDO:0016419, OMIM 114480. Disease mechanism: loss of function.

Allele frequency attached by ClinVar (database versions not stated): gnomAD exomes below 0.00001.
gnomAD v4.1: 1 of 1,611,940 alleles (0.000062%); highest among the groups gnomAD compares: Middle Eastern, 0.017%; no homozygotes.

Submissions (5):

Labcorp Genetics (formerly Invitae), Labcorp
Classification: Uncertain significance for Familial cancer of breast. Last evaluated: 2025-12-22. Review status: criteria provided, single submitter. Criteria: Invitae Variant Classification Sherloc (09022015). Collection method: clinical testing. Allele origin: germline.
Comment: This sequence change replaces cysteine, which is neutral and slightly polar, with arginine, which is basic and polar, at codon 83 of the BARD1 protein (p.Cys83Arg). This variant is not present in population databases (gnomAD no frequency). This missense change has been observed in individual(s) with breast cancer (PMID: 28486781, 29367421). ClinVar contains an entry for this variant (Variation ID: 628328). An algorithm developed to predict the effect of missense changes on protein structure and function (PolyPhen-2) suggests that this variant is likely to be disruptive. Experimental studies have shown that this missense change affects BARD1 function (PMID: 29367421). In summary, the available evidence is currently insufficient to determine the role of this variant in disease. Therefore, it has been classified as a Variant of Uncertain Significance.

Blueprint Genetics
Classification: Uncertain significance. Last evaluated: 2024-04-24. Review status: criteria provided, single submitter. Criteria: ACMG Guidelines, 2015. Collection method: clinical testing. Allele origin: germline.

Ambry Genetics
Classification: Uncertain significance for Hereditary cancer-predisposing syndrome. Last evaluated: 2023-09-01. Review status: criteria provided, single submitter. Criteria: Ambry Variant Classification Scheme 2023. Collection method: clinical testing. Allele origin: germline.
Comment: The p.C83R variant (also known as c.247T>C), located in coding exon 3 of the BARD1 gene, results from a T to C substitution at nucleotide position 247. The cysteine at codon 83 is replaced by arginine, an amino acid with highly dissimilar properties. This alteration has been observed in multiple individuals with a personal and/or family history of breast cancer (Lolas Hamameh S et al. Int J Cancer, 2017 Aug;141:750-756; Abdel-Razeq H et al. Front Oncol, 2022 Mar;12:673094). Experimental studies suggest this missense change may impact BARD1 function (Stewart MD et al. Proc Natl Acad Sci U S A, 2018 Feb;115:1316-1321). This amino acid position is highly conserved in available vertebrate species. In addition, this alteration is predicted to be deleterious by in silico analysis. Since supporting evidence is limited at this time, the clinical significance of this alteration remains unclear.

Color Diagnostics, LLC DBA Color Health
Classification: Likely pathogenic for Hereditary cancer-predisposing syndrome. Last evaluated: 2020-05-08. Review status: criteria provided, single submitter. Criteria: ACMG Guidelines, 2015. Collection method: clinical testing. Allele origin: germline.
Comment: This missense variant replaces cysteine with arginine at codon 83 of the BARD1 protein. This variant alters one of the highly conserved zinc coordinating residues of the BARD1 ring domain. Computational prediction suggests that this variant may have deleterious impact on protein structure and function (internally defined REVEL score threshold >= 0.7, PMID: 27666373). Functional studies have shown that the mutant protein in complex with BRCA1 is deficient at ubiquitylation of nucleosomal histone H2A in vitro (PMID: 29367421; Upadhyay 2019, dissertation, University of Washington). This variant has been reported in an individual affected with familial breast cancer (PMID: 28486781, 29367421). This variant has also been reported in multiple individuals affected with prostate cancer (Color internal data). This variant has not been identified in the general population by the Genome Aggregation Database (gnomAD). Based on the available evidence, this variant is classified as Likely Pathogenic.

King Laboratory, University of Washington
Classification: Pathogenic for Familial cancer of breast. Last evaluated: 2017-12-23. Review status: criteria provided, single submitter. Criteria: ACMG Guidelines, 2015. Collection method: clinical testing. Allele origin: germline. Inheritance: Autosomal dominant inheritance. Affected: yes.
Comment: Cys83Arg alters a critical cysteine in the RING domain of BARD1. The residue is completely conserved as cysteine in all sequenced species. The mutation is absent from public databases and co-segregates with breast cancer in one multiplex family. The mutation leads to loss of ubiquitylation of histone 2A on nucleosomes and to defective transcriptional regulation of genes of estrogen metabolism (Stewart 2018)

Literature cited by the submitters: PubMed 28486781 (cited by Labcorp Genetics (formerly Invitae), Labcorp and Ambry Genetics); PubMed 29367421 (cited by Labcorp Genetics (formerly Invitae), Labcorp and Ambry Genetics); PubMed 35402282 (cited by Ambry Genetics); DOI 10.1073/pnas.1715467115 (cited by King Laboratory, University of Washington).

NM_000465.4(BARD1):c.247T>C (p.Cys83Arg)

Gene: BARD1 (BRCA1 associated RING domain 1; minus strand). Cytogenetic location: 2q35.
Variant type: single nucleotide variant.
Coding change: c.247T>C on transcript NM_000465.4 (MANE Select); coding-DNA position 247, T replaced by C.
Protein change: p.Cys83Arg; replaces cysteine 83 with arginine.
Molecular consequence: missense variant. On other transcripts: non-coding transcript variant (1), intron variant (2).
Genome position (GRCh38, 1-based): chr2:214,792,414, A>G on the plus strand (T>C on the coding strand, the complement: BARD1 is on the minus strand). VCF-style: chr2-214792414-A-G. GRCh37 (hg19) VCF-style: chr2-215657138-A-G.
Other names: c.190T>C, p.Cys64Arg (NM_001282543.2); c.247T>C, p.Cys83Arg (NM_001282549.2); c.158+16998T>C (NM_001282548.2); c.215+4647T>C (NM_001282545.2); c.247T>C (NM_000465.2); short protein forms C83R, C64R.
Identifiers: ClinVar variation 628328 (VCV000628328.19), dbSNP rs1559437198, ClinGen allele CA350461233.
Genomic context (GRCh38, chr2:214,792,414, plus strand): 5'-TGTCCAGTTGTCTATTTATCTTCAAGTCTTGTATCCAGGCCGGGGTGTAACACACTGGAC[A>G]TCCAGTTCCAATGCAGTCACTTACACAATTACTTTAAAATAATTAAAAAAAAAAAAAAAA-3'
Protein context (NP_000456.2, residues 73-93): NCVSDCIGTG[Cys83Arg]PVCYTPAWIQ